The following is an entry in ClinVar:

ClinVar aggregate classification (germline): Pathogenic/Likely pathogenic. Review status: criteria provided, multiple submitters, no conflicts (2 of 4 stars). 3 submissions from 3 submitters: Pathogenic (1); Likely pathogenic (2). Last evaluated 2025-10-18.

Conditions:
Senior-Loken syndrome 8 (SLSN8). Identifiers: Orphanet 3156, MedGen C4225376, MONDO:0014579, OMIM 616307.
Asphyxiating thoracic dystrophy 5 (SRTD5). Also called: SHORT-RIB THORACIC DYSPLASIA 5 WITH OR WITHOUT POLYDACTYLY; SHORT-RIB THORACIC DYSPLASIA 5 WITHOUT POLYDACTYLY. Identifiers: Orphanet 474, MedGen C3280598, MONDO:0013717, OMIM 614376.
Cranioectodermal dysplasia 4 (CED4). Identifiers: Orphanet 1515, MedGen C3280616, MONDO:0013719, OMIM 614378.
Spermatogenic failure 72 (SPGF72). Identifiers: MedGen C5676980, MONDO:0030809, OMIM 619867.
Nephronophthisis 13 (NPHP13). Identifiers: Orphanet 655, MedGen C3280612, MONDO:0013718, OMIM 614377.

Submissions (3):

Labcorp Genetics (formerly Invitae), Labcorp
Classification: Pathogenic for Senior-Loken syndrome 8; Asphyxiating thoracic dystrophy 5. Last evaluated: 2025-10-18. Review status: criteria provided, single submitter. Criteria: Invitae Variant Classification Sherloc (09022015). Collection method: clinical testing. Allele origin: germline.
Comment: This sequence change creates a premature translational stop signal (p.Glu906Lysfs*11) in the WDR19 gene. It is expected to result in an absent or disrupted protein product. Loss-of-function variants in WDR19 are known to be pathogenic (PMID: 22019273, 23559409, 23683095, 26275793, 27241786, 29068549). This variant is present in population databases (rs767782368, gnomAD 0.002%). This variant has not been reported in the literature in individuals affected with WDR19-related conditions. ClinVar contains an entry for this variant (Variation ID: 3590548). For these reasons, this variant has been classified as Pathogenic.

GeneDx
Classification: Likely pathogenic. Last evaluated: 2024-12-24. Review status: criteria provided, single submitter. Criteria: GeneDx Variant Classification Process June 2021. Collection method: clinical testing. Allele origin: germline. Affected: yes.
Comment: Frameshift variant predicted to result in protein truncation or nonsense mediated decay in a gene for which loss of function is a known mechanism of disease; Not observed at significant frequency in large population cohorts (gnomAD); Identified in the heterozygous state in a patient with Senior-Loken syndrome in the published literature (PMID: 31964843); This variant is associated with the following publications: (PMID: 31964843)

Fulgent Genetics
Classification: Likely pathogenic for Asphyxiating thoracic dystrophy 5; Nephronophthisis 13; Cranioectodermal dysplasia 4; Senior-Loken syndrome 8; Spermatogenic failure 72. Last evaluated: 2024-01-01. Review status: criteria provided, single submitter. Criteria: ACMG Guidelines, 2015. Collection method: clinical testing. Allele origin: germline.

Literature cited by the submitters: PubMed 22019273 (cited by Labcorp Genetics (formerly Invitae), Labcorp); PubMed 23559409 (cited by Labcorp Genetics (formerly Invitae), Labcorp); PubMed 23683095 (cited by Labcorp Genetics (formerly Invitae), Labcorp); PubMed 26275793 (cited by Labcorp Genetics (formerly Invitae), Labcorp); PubMed 27241786 (cited by Labcorp Genetics (formerly Invitae), Labcorp); PubMed 29068549 (cited by Labcorp Genetics (formerly Invitae), Labcorp).

NM_025132.4(WDR19):c.2716del (p.Glu906fs)

Gene: WDR19 (WD repeat domain 19; plus strand). Cytogenetic location: 4p14.
Variant type: Deletion.
Coding change: c.2716del on transcript NM_025132.4 (MANE Select); coding-DNA position 2716, one base deleted (G; older notation c.2716delG).
Protein change: p.Glu906fs; shifts the reading frame from glutamic acid 906.
Molecular consequence: frameshift variant.
Genome position (GRCh38, 1-based): chr4:39,245,439, G deleted; the last of 2 consecutive G bases (chr4:39,245,438-39,245,439); deleting either gives the same sequence. VCF-style (leftmost placement, unchanged base first): chr4-39245437-AG-A. GRCh37 (hg19) VCF-style: chr4-39247057-AG-A.
Other names: c.2716del (NM_025132.3); c.2236del, p.Glu746fs (NM_001317924.2); short protein forms E906fs, E746fs.
Identifiers: ClinVar variation 3590548 (VCV003590548.3).